The following is an entry in ClinVar:

NM_001100.4(ACTA1):c.130-5T>C

Gene: ACTA1 (actin alpha 1, skeletal muscle; minus strand). Cytogenetic location: 1q42.13.
Variant type: single nucleotide variant.
Coding change: c.130-5T>C on transcript NM_001100.4 (MANE Select); 5 bases into the intron before coding-DNA position 130, T replaced by C.
Molecular consequence: intron variant.
Genome position (GRCh38, 1-based): chr1:229,432,885, A>G on the plus strand (T>C on the coding strand, the complement: ACTA1 is on the minus strand). VCF-style: chr1-229432885-A-G. GRCh37 (hg19) VCF-style: chr1-229568632-A-G.
Other names: p.?.
Identifiers: ClinVar variation 93547 (VCV000093547.32), dbSNP rs11803533, ClinGen allele CA147046.

ClinVar aggregate classification (germline): Benign. Review status: criteria provided, multiple submitters, no conflicts (2 of 4 stars). 14 submissions from 12 submitters: Benign (12). 2 of the submissions do not count toward it. Last evaluated 2026-02-04.

Conditions:
Familial restrictive cardiomyopathy (RCM). Identifiers: Orphanet 217635, MedGen C0340429, MONDO:0016340.
Actin accumulation myopathy (CMYO2A). Also called: Nemaline myopathy type 3; Myopathy, actin, congenital, with excess of thin myofilaments; CONGENITAL MYOPATHY 2A, TYPICAL, AUTOSOMAL DOMINANT; Myopathy, actin, congenital, with cores; Nemaline myopathy 3, with intranuclear rods. Identifiers: Orphanet 98904, MedGen C3711389, MONDO:0008070, OMIM 161800.
Congenital myopathy with fiber type disproportion. Also called: Congenital fiber-type disproportion myopathy; Congenital fiber-type disproportion. Identifiers: Orphanet 2020, MedGen C0546264, MONDO:0009711. Inheritance: all.

Allele frequency attached by ClinVar (database versions not stated): gnomAD exomes 0.18426 and 0.20828; ExAC 0.20817; gnomAD 0.26300 and 0.26938; ESP Exome Variant Server 0.27195; 1000 Genomes Project 0.27396; 1000 Genomes Project 30x 0.27780; TOPMed 0.28683.
gnomAD v4.1: 310,485 of 1,613,794 alleles (19%); highest among the groups gnomAD compares: African/African-American, 47%; 33,901 homozygotes.

Submissions (14):

Labcorp Genetics (formerly Invitae), Labcorp
Classification: Benign for Actin accumulation myopathy. Last evaluated: 2026-02-04. Review status: criteria provided, single submitter. Criteria: Invitae Variant Classification Sherloc (09022015). Collection method: clinical testing. Allele origin: germline.

Blueprint Genetics
Classification: Benign. Last evaluated: 2024-11-26. Review status: criteria provided, single submitter. Criteria: ACMG Guidelines, 2015. Collection method: clinical testing. Allele origin: germline.

Illumina Laboratory Services, Illumina
Classification: Benign for Actin accumulation myopathy. Last evaluated: 2018-01-12. Review status: criteria provided, single submitter. Criteria: ICSL Variant Classification Criteria 13 December 2019. Collection method: clinical testing. Allele origin: germline.
Comment: This variant was observed in the ICSL laboratory as part of a predisposition screen in an ostensibly healthy population. It had not been previously curated by ICSL or reported in the Human Gene Mutation Database (HGMD: prior to June 1st, 2018), and was therefore a candidate for classification through an automated scoring system. Utilizing variant allele frequency, disease prevalence and penetrance estimates, and inheritance mode, an automated score was calculated to assess if this variant is too frequent to cause the disease. Based on the score and internal cut-off values, a variant classified as benign is not then subjected to further curation. The score for this variant resulted in a classification of benign for this disease.

Illumina Laboratory Services, Illumina
Classification: Benign for Familial restrictive cardiomyopathy. Last evaluated: 2018-01-12. Review status: criteria provided, single submitter. Criteria: ICSL Variant Classification Criteria 13 December 2019. Collection method: clinical testing. Allele origin: germline.
Comment: the same text as in the submission from Illumina Laboratory Services, Illumina above.

Illumina Laboratory Services, Illumina
Classification: Benign for Congenital myopathy 4A, autosomal dominant. Last evaluated: 2018-01-12. Review status: criteria provided, single submitter. Criteria: ICSL Variant Classification Criteria 13 December 2019. Collection method: clinical testing. Allele origin: germline.
Comment: the same text as in the submission from Illumina Laboratory Services, Illumina above.

Mayo Clinic Laboratories, Mayo Clinic
Classification: Benign. Last evaluated: 2017-10-04. Review status: criteria provided, single submitter. Criteria: ACMG Guidelines, 2015. Collection method: clinical testing. Allele origin: germline. Observed: 278 variant alleles.

GeneDx
Classification: Benign. Last evaluated: 2015-03-03. Review status: criteria provided, single submitter. Criteria: GeneDx Variant Classification Process June 2021. Collection method: clinical testing. Allele origin: germline. Affected: yes.

Laboratory for Molecular Medicine, Mass General Brigham Personalized Medicine
Classification: Benign. Last evaluated: 2015-01-13. Review status: criteria provided, single submitter. Criteria: LMM Criteria. Collection method: clinical testing. Allele origin: germline. Observed: 5 variant alleles.
Comment: c.130-5T>C in intron 2 of ACTA1: This variant is not expected to have clinical s ignificance because it has been identified in 45.0% (1983/4406) of African Ameri can chromosomes from a broad population by the NHLBI Exome Sequencing Project (dbSNP rs11803533).

Eurofins Ntd Llc (ga)
Classification: Benign. Last evaluated: 2013-08-22. Review status: criteria provided, single submitter. Criteria: EGL Classification Definitions 2015. Collection method: clinical testing. Allele origin: germline. Observed: 20 variant alleles, 15 heterozygotes, 5 homozygotes.

Genetic Services Laboratory, University of Chicago
Classification: Benign for AllHighlyPenetrant. Last evaluated: 2013-08-15. Review status: criteria provided, single submitter. Criteria: ACMG Guidelines, 2007. Collection method: clinical testing. Allele origin: germline.

Breakthrough Genomics
Classification: Benign. Review status: criteria provided, single submitter. Criteria: ACMG Guidelines, 2015. Collection method: not provided. Allele origin: germline. Inheritance: Autosomal recessive inheritance. Affected: yes.

PreventionGenetics, part of Exact Sciences
Classification: Benign. Review status: criteria provided, single submitter. Criteria: ACMG Guidelines, 2015. Collection method: clinical testing. Allele origin: germline.

Genome Diagnostics Laboratory, University Medical Center Utrecht
Classification: Benign. Review status: no assertion criteria provided. Collection method: clinical testing. Allele origin: germline. Affected: yes. Study: VKGL Data-share Consensus. Not counted in ClinVar's aggregate classification.

Joint Genome Diagnostic Labs from Nijmegen and Maastricht, Radboudumc and MUMC+
Classification: Benign. Review status: no assertion criteria provided. Collection method: clinical testing. Allele origin: germline. Affected: yes. Study: VKGL Data-share Consensus. Not counted in ClinVar's aggregate classification.